The following is an entry in ClinVar:

ClinVar aggregate classification (germline): Uncertain significance (1 of 4 stars; one submission).

Conditions:
Dyskeratosis congenita, autosomal recessive 6 (DKCB6). Identifiers: MedGen C4225356, MONDO:0014600, OMIM 616353.
Pulmonary fibrosis and/or bone marrow failure, Telomere-related, 4. Also called: PULMONARY FIBROSIS AND/OR BONE MARROW FAILURE SYNDROME, TELOMERE-RELATED, 4. Identifiers: Orphanet 2032, MedGen C4225347, MONDO:0014612, OMIM 616371.

gnomAD v4.1: 2 of 1,550,858 alleles (0.00013%); 1 homozygote.

Submission:

Labcorp Genetics (formerly Invitae), Labcorp
Classification: Uncertain significance for Dyskeratosis congenita, autosomal recessive 6; Pulmonary fibrosis and/or bone marrow failure, Telomere-related, 4. Last evaluated: 2022-04-28. Review status: criteria provided, single submitter. Criteria: Invitae Variant Classification Sherloc (09022015). Collection method: clinical testing. Allele origin: germline.
Comment: Algorithms developed to predict the effect of missense changes on protein structure and function (SIFT, PolyPhen-2, Align-GVGD) all suggest that this variant is likely to be tolerated. In summary, the available evidence is currently insufficient to determine the role of this variant in disease. Therefore, it has been classified as a Variant of Uncertain Significance. This variant has not been reported in the literature in individuals affected with PARN-related conditions. This variant is not present in population databases (gnomAD no frequency). This sequence change replaces valine, which is neutral and non-polar, with isoleucine, which is neutral and non-polar, at codon 318 of the PARN protein (p.Val318Ile).

NM_002582.4(PARN):c.952G>A (p.Val318Ile)

Gene: PARN (poly(A)-specific ribonuclease; minus strand). Cytogenetic location: 16p13.12.
Variant type: single nucleotide variant.
Coding change: c.952G>A on transcript NM_002582.4 (MANE Select); coding-DNA position 952, G replaced by A.
Protein change: p.Val318Ile; replaces valine 318 with isoleucine.
Molecular consequence: missense variant.
Genome position (GRCh38, 1-based): chr16:14,586,328, C>T on the plus strand (G>A on the coding strand, the complement: PARN is on the minus strand). VCF-style: chr16-14586328-C-T. GRCh37 (hg19) VCF-style: chr16-14680185-C-T.
Other names: c.769G>A, p.Val257Ile (NM_001134477.3); c.814G>A, p.Val272Ile (NM_001242992.2); short protein forms V257I, V318I, V272I.
Identifiers: ClinVar variation 1949437 (VCV001949437.5), dbSNP rs2507885532, ClinGen allele CA394803450.